The following is an entry in ClinVar:

ClinVar aggregate classification (germline): Likely pathogenic. Review status: criteria provided, multiple submitters, no conflicts (2 of 4 stars). 2 submissions from 2 submitters: Likely pathogenic (2). Last evaluated 2025-10-05.

Conditions:
Muscular dystrophy-dystroglycanopathy (congenital with brain and eye anomalies), type A1 (MDDGA1). Also called: COD-MD SYNDROME; Muscular dystrophy-dystroglycanopathy (congenital with brain and eye anomalies), type A, 1; WALKER-WARBURG SYNDROME OR MUSCLE-EYE-BRAIN DISEASE, POMT1-RELATED; Hydrocephalus, agyria and retinal dysplasia; Hard +/- E syndrome; Warburg syndrome. Identifiers: Orphanet 588, Orphanet 899, MedGen C4284790, MONDO:0009364, OMIM 236670.
Autosomal recessive limb-girdle muscular dystrophy type 2K. Also called: MUSCULAR DYSTROPHY-DYSTROGLYCANOPATHY (LIMB-GIRDLE), TYPE C, 1; MUSCULAR DYSTROPHY, LIMB-GIRDLE, TYPE 2K. Identifiers: Orphanet 86812, MedGen C1836373, MONDO:0012248, OMIM 609308.

Submissions (2):

Clinical Biomedical Laboratory, Shriners Hospital For Children - Canada
Classification: Likely pathogenic for Autosomal recessive limb-girdle muscular dystrophy type 2K. Last evaluated: 2025-10-05. Review status: criteria provided, single submitter. Criteria: ACMG Guidelines, 2015. Collection method: clinical testing. Allele origin: germline. Affected: yes.
Comment: This variant is predicted to delete a phenylalanine residue in POMT1. The gene codes for an enzyme that is involved in the glycosylation of α-dystroglycan and is associated with Walker-Warburg syndrome, limb girdle muscular dystrophy and other dystroglycanopathies. These conditions have considerable overlap with the phenotype of the proband. The variant has been reported in an individual diagnosed with Walker-Warburg syndrome (PMID 2677999). Genome Aggregation Database (gnomAD v2.1.1) this variant is very rare.

Baylor Genetics
Classification: Likely pathogenic for Muscular dystrophy-dystroglycanopathy (congenital with brain and eye anomalies), type A1. Last evaluated: 2023-10-06. Review status: criteria provided, single submitter. Criteria: ACMG Guidelines, 2015. Collection method: clinical testing. Allele origin: unknown.

Literature cited by the submitters: PubMed 31311558 (cited by Clinical Biomedical Laboratory, Shriners Hospital For Children - Canada).

NM_001077365.2(POMT1):c.773TCT[1] (p.Phe259del)

Gene: POMT1 (protein O-mannosyltransferase 1; plus strand). Cytogenetic location: 9q34.13.
Variant type: Microsatellite.
Coding change: c.773TCT[1] on transcript NM_001077365.2 (MANE Select); one copy of the 3-base unit TCT starting at c.773; the reference has two copies in a row; one copy, 3 bases deleted.
Protein change: p.Phe259del; deletes phenylalanine 259.
Molecular consequence: 5 prime UTR variant (on NM_001411024.1). On other transcripts: non-coding transcript variant (10).
Genome position (GRCh38, 1-based): chr9:131,510,336-131,510,338, TCT deleted; deleting any 3 consecutive bases within chr9:131,510,332-131,510,338 gives the same sequence; the position shown is the placement nearest the transcript's 3' end. VCF-style (leftmost placement, unchanged base first): chr9-131510331-GTTC-G. GRCh37 (hg19) VCF-style: chr9-134385718-GTTC-G.
Other names: c.611TCT[1], p.Phe205del (NM_001077366.2, NM_001353194.2, NM_001374693.1); c.773TCT[1], p.Phe259del (NM_001136113.2, NM_001374690.1); c.842_844del (NM_007171.4); c.422TCT[1], p.Phe142del (NM_001136114.2, NM_001353195.2, NM_001374691.1 and 1 more transcripts); c.839TCT[1], p.Phe281del (NM_001353193.2, NM_007171.4); c.683TCT[1], p.Phe229del (NM_001353196.2); c.677TCT[1], p.Phe227del (NM_001353197.2, NM_001353198.2); c.488TCT[1], p.Phe164del (NM_001353199.2); and 4 more; short protein forms F107del, F129del, F142del, F164del, F205del, F227del, F229del, F259del.
Identifiers: ClinVar variation 2677999 (VCV002677999.2), dbSNP rs1258590241, ClinGen allele CA590946748.
Genomic context (GRCh38, chr9:131,510,331, plus strand): 5'-CTGTCACTTGCTCGCCCGAGCAGTGGCTTTGCTGGTCATCCCGGTCGTCCTGTACTTACT[GTTC>G]TTCTACGTCCACTTGATTCTAGTCTTCCGCTCTGGGCCCCACGACCAAATCATGTCCAGT-3'